The following is an entry in ClinVar:

ClinVar aggregate classification (germline): Pathogenic. Review status: criteria provided, single submitter (1 of 4 stars). 3 submissions from 3 submitters: Pathogenic (1). 2 of the submissions do not count toward it. Last evaluated 2026-01-03.

Conditions:
Jeune thoracic dystrophy. Also called: Jeune syndrome; Infantile thoracic dystrophy; Thoracic pelvic phalangeal dystrophy; Jeune's syndrome; Chondroectodermal dysplasia-like syndrome; Short-rib thoracic dysplasia. Identifiers: Orphanet 474, MedGen C0265275, MONDO:0018770.

Submissions (3):

Labcorp Genetics (formerly Invitae), Labcorp
Classification: Pathogenic for Jeune thoracic dystrophy. Last evaluated: 2026-01-03. Review status: criteria provided, single submitter. Criteria: Invitae Variant Classification Sherloc (09022015). Collection method: clinical testing. Allele origin: germline.
Comment: This sequence change creates a premature translational stop signal (p.Val1976Leufs*17) in the DYNC2H1 gene. It is expected to result in an absent or disrupted protein product. Loss-of-function variants in DYNC2H1 are known to be pathogenic (PMID: 23339108, 32753734, 33755199). This variant is not present in population databases (gnomAD no frequency). This premature translational stop signal has been observed in individual(s) with autosomal recessive asphyxiating thoracic dystrophy (aka Jeune syndrome) (PMID: 29068549). ClinVar contains an entry for this variant (Variation ID: 446588). For these reasons, this variant has been classified as Pathogenic.

Dan Cohn Lab, University Of California Los Angeles
Classification: Pathogenic for Asphyxiating thoracic dystrophy. Last evaluated: 2017-06-01. Review status: no assertion criteria provided. Collection method: research. Allele origin: unknown. Affected: yes. Not counted in ClinVar's aggregate classification.

University of Washington Center for Mendelian Genomics, University of Washington
Classification: Likely pathogenic for asphyxiating thoracic dystrophy. Review status: no assertion criteria provided. Collection method: research. Allele origin: inherited. Affected: yes. Not counted in ClinVar's aggregate classification.

Literature cited by the submitters: PubMed 23339108 (cited by Labcorp Genetics (formerly Invitae), Labcorp); PubMed 32753734 (cited by Labcorp Genetics (formerly Invitae), Labcorp); PubMed 33755199 (cited by Labcorp Genetics (formerly Invitae), Labcorp); PubMed 29068549 (cited by 3 submitters).

NM_001377.3(DYNC2H1):c.5925del (p.Val1976fs)

Gene: DYNC2H1 (dynein cytoplasmic 2 heavy chain 1; plus strand). Cytogenetic location: 11q22.3.
Variant type: Deletion.
Coding change: c.5925del on transcript NM_001377.3 (MANE Select); coding-DNA position 5925, one base deleted (T; older notation c.5925delT).
Protein change: p.Val1976fs; shifts the reading frame from valine 1976.
Molecular consequence: frameshift variant.
Genome position (GRCh38, 1-based): chr11:103,177,606, T deleted; the last of 2 consecutive T bases (chr11:103,177,605-103,177,606); deleting either gives the same sequence. VCF-style (leftmost placement, unchanged base first): chr11-103177604-GT-G. GRCh37 (hg19) VCF-style: chr11-103048333-GT-G.
Other names: c.5925del, p.Val1976fs (NM_001080463.2); short protein forms V1976fs.
Identifiers: ClinVar variation 446588 (VCV000446588.6), dbSNP rs1380132788, ClinGen allele CA476739880.